The following is an entry in ClinVar:

NM_173630.4(RTTN):c.4425_4428dup (p.Leu1477fs)

Gene: RTTN (rotatin; minus strand). Cytogenetic location: 18q22.2.
Variant type: Duplication.
Coding change: c.4425_4428dup on transcript NM_173630.4 (MANE Select); coding-DNA positions 4425 to 4428, 4 bases duplicated (TGCC; older notation c.4425_4428dupTGCC).
Protein change: p.Leu1477fs; shifts the reading frame from leucine 1477.
Molecular consequence: frameshift variant.
Genome position (GRCh38, 1-based): chr18:70,075,488-70,075,491, GGCA duplicated on the plus strand (TGCC on the coding strand, the reverse complement: RTTN is on the minus strand); duplicating any 4 consecutive bases within chr18:70,075,488-70,075,493 gives the same sequence; the c. name uses the placement nearest the transcript's 3' end. VCF-style (leftmost placement, unchanged base first): chr18-70075487-G-GGGCA. GRCh37 (hg19) VCF-style: chr18-67742723-G-GGGCA.
Other names: c.1689_1692dup, p.Leu565fs (NM_001318520.2); short protein forms L565fs, L1477fs.
Identifiers: ClinVar variation 2192249 (VCV002192249.4), dbSNP rs746502408, ClinGen allele CA8995255.

ClinVar aggregate classification (germline): Pathogenic (1 of 4 stars; one submission).

Submission:

Labcorp Genetics (formerly Invitae), Labcorp
Classification: Pathogenic. Last evaluated: 2024-08-12. Review status: criteria provided, single submitter. Criteria: Invitae Variant Classification Sherloc (09022015). Collection method: clinical testing. Allele origin: germline.
Comment: This sequence change creates a premature translational stop signal (p.Leu1477Cysfs*13) in the RTTN gene. It is expected to result in an absent or disrupted protein product. Loss-of-function variants in RTTN are known to be pathogenic (PMID: 26608784, 26846091). This variant is present in population databases (rs746502408, gnomAD 0.003%). This variant has not been reported in the literature in individuals affected with RTTN-related conditions. ClinVar contains an entry for this variant (Variation ID: 2192249). For these reasons, this variant has been classified as Pathogenic.

Literature cited by the submitters: PubMed 26608784; PubMed 26846091.